The following is an entry in ClinVar:

ClinVar aggregate classification (germline): Uncertain significance (1 of 4 stars; one submission).

Conditions:
Developmental and epileptic encephalopathy, 34 (DEE34). Also called: SLC12A5-Related Epilepsy of Infancy with Migrating Focal Seizures; Early infantile epileptic encephalopathy 34. Identifiers: Orphanet 293181, MedGen C4225257, MONDO:0014718, OMIM 616645.

Submission:

Labcorp Genetics (formerly Invitae), Labcorp
Classification: Uncertain significance for Developmental and epileptic encephalopathy, 34. Last evaluated: 2022-03-19. Review status: criteria provided, single submitter. Criteria: Invitae Variant Classification Sherloc (09022015). Collection method: clinical testing. Allele origin: germline.
Comment: This sequence change replaces methionine, which is neutral and non-polar, with isoleucine, which is neutral and non-polar, at codon 1035 of the SLC12A5 protein (p.Met1035Ile). This variant is not present in population databases (gnomAD no frequency). This variant has not been reported in the literature in individuals affected with SLC12A5-related conditions. ClinVar contains an entry for this variant (Variation ID: 1005347). Advanced modeling of protein sequence and biophysical properties (such as structural, functional, and spatial information, amino acid conservation, physicochemical variation, residue mobility, and thermodynamic stability) performed at Invitae indicates that this missense variant is not expected to disrupt SLC12A5 protein function. In summary, the available evidence is currently insufficient to determine the role of this variant in disease. Therefore, it has been classified as a Variant of Uncertain Significance.

NM_020708.5(SLC12A5):c.3105G>T (p.Met1035Ile)

Gene: SLC12A5 (solute carrier family 12 member 5; plus strand). Cytogenetic location: 20q13.12.
Variant type: single nucleotide variant.
Coding change: c.3105G>T on transcript NM_020708.5 (MANE Select); coding-DNA position 3105, G replaced by T.
Protein change: p.Met1035Ile; replaces methionine 1035 with isoleucine.
Molecular consequence: missense variant.
Genome position (GRCh38, 1-based): chr20:46,056,559, G>T. VCF-style: chr20-46056559-G-T. GRCh37 (hg19) VCF-style: chr20-44685198-G-T.
Other names: c.3174G>T, p.Met1058Ile (NM_001134771.2); short protein forms M1035I, M1058I.
Identifiers: ClinVar variation 1005347 (VCV001005347.6), dbSNP rs375422132, ClinGen allele CA409208325.